The following is an entry in ClinVar:

NM_014946.4(SPAST):c.1565T>C (p.Leu522Ser)

Gene: SPAST (spastin; plus strand). Cytogenetic location: 2p22.3.
Variant type: single nucleotide variant.
Coding change: c.1565T>C on transcript NM_014946.4 (MANE Select); coding-DNA position 1565, T replaced by C.
Protein change: p.Leu522Ser; replaces leucine 522 with serine.
Molecular consequence: missense variant.
Genome position (GRCh38, 1-based): chr2:32,143,364, T>C. VCF-style: chr2-32143364-T-C. GRCh37 (hg19) VCF-style: chr2-32368433-T-C.
Other names: c.1469T>C, p.Leu490Ser (NM_199436.2, NM_001377959.1); c.1562T>C, p.Leu521Ser (NM_001363823.2); c.1466T>C, p.Leu489Ser (NM_001363875.2); short protein forms L489S, L522S, L521S, L490S.
Identifiers: ClinVar variation 2760002 (VCV002760002.3), dbSNP rs2465903143, ClinGen allele CA346503710.
Genomic context (GRCh38, chr2:32,143,364, plus strand): 5'-AGACTGAATGATCATTTTTTAATATTTTTCAGACAAGACTACTTTTGCTTAAAAATCTGT[T>C]ATGTAAACAAGGAAGTCCATTGACCCAAAAAGAACTAGCACAACTTGCTAGGTGAGTAAT-3'
Protein context (NP_055761.2, residues 512-532): ETRLLLLKNL[Leu522Ser]CKQGSPLTQK

ClinVar aggregate classification (germline): Uncertain significance (1 of 4 stars; one submission).

Conditions:
Hereditary spastic paraplegia 4. Also called: Familial spastic paraplegia autosomal dominant 2; Spastic paraplegia 4, autosomal dominant; Spastic Paraplegia 4. Identifiers: Orphanet 100985, MedGen C1866855, MONDO:0008438, OMIM 182601.

Submission:

Labcorp Genetics (formerly Invitae), Labcorp
Classification: Uncertain significance for Hereditary spastic paraplegia 4. Last evaluated: 2023-09-10. Review status: criteria provided, single submitter. Criteria: Invitae Variant Classification Sherloc (09022015). Collection method: clinical testing. Allele origin: germline.
Comment: In summary, the available evidence is currently insufficient to determine the role of this variant in disease. Therefore, it has been classified as a Variant of Uncertain Significance. Advanced modeling of protein sequence and biophysical properties (such as structural, functional, and spatial information, amino acid conservation, physicochemical variation, residue mobility, and thermodynamic stability) performed at Invitae indicates that this missense variant is not expected to disrupt SPAST protein function. This variant has not been reported in the literature in individuals affected with SPAST-related conditions. This variant is not present in population databases (gnomAD no frequency). This sequence change replaces leucine, which is neutral and non-polar, with serine, which is neutral and polar, at codon 522 of the SPAST protein (p.Leu522Ser).